The following is an entry in ClinVar:

NM_198578.4(LRRK2):c.6051C>A (p.Asp2017Glu)

Gene: LRRK2 (leucine rich repeat kinase 2; plus strand). Cytogenetic location: 12q12.
Variant type: single nucleotide variant.
Coding change: c.6051C>A on transcript NM_198578.4 (MANE Select); coding-DNA position 6051, C replaced by A.
Protein change: p.Asp2017Glu; replaces aspartic acid 2017 with glutamic acid.
Molecular consequence: missense variant.
Genome position (GRCh38, 1-based): chr12:40,340,396, C>A. VCF-style: chr12-40340396-C-A. GRCh37 (hg19) VCF-style: chr12-40734198-C-A.
Other names: short protein forms D2017E.
Identifiers: ClinVar variation 3540691 (VCV003540691.1).

ClinVar aggregate classification (germline): Uncertain significance (1 of 4 stars; one submission).

Conditions:
Inborn genetic diseases. Identifiers: MedGen C0950123, MeSH D030342.

gnomAD v4.1: 1 of 1,613,876 alleles (0.000062%); highest among the groups gnomAD compares: Non-Finnish European, 0.000085%; no homozygotes.

Submission:

Ambry Genetics
Classification: Uncertain significance for Inborn genetic diseases. Last evaluated: 2024-09-21. Review status: criteria provided, single submitter. Criteria: Ambry Variant Classification Scheme 2023. Collection method: clinical testing. Allele origin: germline.
Comment: The p.D2017E variant (also known as c.6051C>A), located in coding exon 41 of the LRRK2 gene, results from a C to A substitution at nucleotide position 6051. The aspartic acid at codon 2017 is replaced by glutamic acid, an amino acid with highly similar properties. This amino acid position is conserved. In addition, this alteration is predicted to be deleterious by in silico analysis. Based on the available evidence, the clinical significance of this variant remains unclear.